The following is an entry in ClinVar:

ClinVar aggregate classification (germline): Conflicting classifications of pathogenicity. Review status: criteria provided, conflicting classifications (1 of 4 stars). 6 submissions from 6 submitters: Uncertain significance (4); Likely benign (1). 1 of the submissions does not count toward it. Last evaluated 2025-08-22.

Conditions:
Inborn genetic diseases. Identifiers: MedGen C0950123, MeSH D030342.
Arthrogryposis multiplex congenita 6. Identifiers: MedGen C5543431, MONDO:0030281, OMIM 619334.
Nemaline myopathy 2 (NEM2). Also called: Nemaline myopathy 2, autosomal recessive. Identifiers: MedGen C1850569, MONDO:0009725, OMIM 256030.

Allele frequency attached by ClinVar (database versions not stated): gnomAD 0.00001; gnomAD exomes 0.00002 and 0.00004; TOPMed 0.00003; ExAC 0.00006.
gnomAD v4.1: 32 of 1,612,752 alleles (0.002%); highest among the groups gnomAD compares: Middle Eastern, 0.033%; no homozygotes.

Submissions (6):

Labcorp Genetics (formerly Invitae), Labcorp
Classification: Likely benign for Nemaline myopathy 2. Last evaluated: 2025-08-22. Review status: criteria provided, single submitter. Criteria: Invitae Variant Classification Sherloc (09022015). Collection method: clinical testing. Allele origin: germline.

Ambry Genetics
Classification: Uncertain significance for Inborn genetic diseases. Last evaluated: 2025-02-04. Review status: criteria provided, single submitter. Criteria: Ambry Variant Classification Scheme 2023. Collection method: clinical testing. Allele origin: germline.

GeneDx
Classification: Uncertain significance. Last evaluated: 2022-09-27. Review status: criteria provided, single submitter. Criteria: GeneDx Variant Classification Process June 2021. Collection method: clinical testing. Allele origin: germline. Affected: yes.
Comment: In silico analysis supports that this missense variant does not alter protein structure/function; Has not been previously published as pathogenic or benign to our knowledge

Fulgent Genetics
Classification: Uncertain significance for Nemaline myopathy 2; Arthrogryposis multiplex congenita 6. Last evaluated: 2021-07-23. Review status: criteria provided, single submitter. Criteria: ACMG Guidelines, 2015. Collection method: clinical testing. Allele origin: unknown.

Breakthrough Genomics
Classification: Uncertain significance. Review status: criteria provided, single submitter. Criteria: ACMG Guidelines, 2015. Collection method: not provided. Allele origin: germline. Inheritance: Autosomal recessive inheritance. Affected: yes.

Natera, Inc.
Classification: Uncertain significance for Nemaline myopathy type 2. Last evaluated: 2019-11-11. Review status: no assertion criteria provided. Collection method: clinical testing. Allele origin: germline. Not counted in ClinVar's aggregate classification.

NM_001164508.2(NEB):c.21970A>C (p.Lys7324Gln)

Genes: RIF1 (replication timing regulatory factor 1; plus strand), NEB (nebulin; minus strand). Cytogenetic location: 2q23.3.
Variant type: single nucleotide variant.
Coding change: c.21970A>C on transcript NM_001164508.2 (MANE Select); coding-DNA position 21970, A replaced by C.
Protein change: p.Lys7324Gln; replaces lysine 7324 with glutamine.
Molecular consequence: missense variant.
Genome position (GRCh38, 1-based): chr2:151,526,238, T>G on the plus strand (A>C on the coding strand, the complement: NEB is on the minus strand). VCF-style: chr2-151526238-T-G. GRCh37 (hg19) VCF-style: chr2-152382752-T-G.
Other names: c.16867A>C (NM_004543.4); c.21970A>C, p.Lys7324Gln (NM_001164507.2); c.22075A>C, p.Lys7359Gln (NM_001271208.2); c.16867A>C, p.Lys5623Gln (NM_004543.5); short protein forms K7359Q, K5623Q, K7324Q.
Identifiers: ClinVar variation 581166 (VCV000581166.14), dbSNP rs756646859, ClinGen allele CA1906820.